The following is an entry in ClinVar:

NM_016239.4(MYO15A):c.9518-12_9518-11delinsTC

Gene: MYO15A (myosin XVA; plus strand). Cytogenetic location: 17p11.2.
Variant type: Indel.
Coding change: c.9518-12_9518-11delinsTC on transcript NM_016239.4 (MANE Select); 12 bases into the intron before coding-DNA position 9518 through 11 bases into the intron before coding-DNA position 9518, CT replaced by TC.
Molecular consequence: intron variant.
Genome position (GRCh38, 1-based): chr17:18,162,573-18,162,574, CT replaced by TC. VCF-style: chr17-18162573-CT-TC. GRCh37 (hg19) VCF-style: chr17-18065887-CT-TC.
Identifiers: ClinVar variation 4847334 (VCV004847334.1).

ClinVar aggregate classification (germline): Likely benign (1 of 4 stars; one submission).

Submission:

Women's Health and Genetics/Laboratory Corporation of America, LabCorp
Classification: Likely benign. Last evaluated: 2026-03-11. Review status: criteria provided, single submitter. Criteria: LabCorp Variant Classification Summary - May 2015. Collection method: clinical testing. Allele origin: germline.
Comment: Variant summary: MYO15A c.9518-12_9518-11delinsTC alters 2 nucleotides located at a position not widely known to affect splicing. Consensus agreement among computation tools predict no significant impact on normal splicing. However, these predictions have yet to be confirmed by functional studies. The variant was absent in 246256 control chromosomes. The available data on variant occurrences in the general population are insufficient to allow any conclusion about variant significance. To our knowledge, no occurrence of c.9518-12_9518-11delinsTC in individuals affected with MYO15A-related conditions and no experimental evidence demonstrating its impact on protein function have been reported. No submitters have cited clinical-significance assessments for this variant to ClinVar. Based on the evidence outlined above, the variant was classified as likely benign.